The following is an entry in ClinVar:

NM_153460.4(IL17RC):c.1031C>T (p.Pro344Leu)

Gene: IL17RC (interleukin 17 receptor C; plus strand). Cytogenetic location: 3p25.3.
Variant type: single nucleotide variant.
Coding change: c.1031C>T on transcript NM_153460.4 (MANE Select); coding-DNA position 1031, C replaced by T.
Protein change: p.Pro344Leu; replaces proline 344 with leucine.
Molecular consequence: missense variant. On other transcripts: non-coding transcript variant (1).
Genome position (GRCh38, 1-based): chr3:9,928,458, C>T. VCF-style: chr3-9928458-C-T. GRCh37 (hg19) VCF-style: chr3-9970142-C-T.
Other names: c.1031C>T, p.Pro344Leu (NM_001203263.2, NM_001203264.2); c.986C>T, p.Pro329Leu (NM_001203265.2, NM_001367280.1, NM_032732.6); c.992C>T, p.Pro331Leu (NM_001367278.1); c.911C>T, p.Pro304Leu (NM_001367279.1); c.1244C>T, p.Pro415Leu (NM_153461.4); short protein forms P329L, P331L, P304L, P344L, P415L.
Identifiers: ClinVar variation 836082 (VCV000836082.7), dbSNP rs151311782, ClinGen allele CA2247106.

ClinVar aggregate classification (germline): Uncertain significance (1 of 4 stars; one submission).

Conditions:
Candidiasis, familial, 9 (CANDF9). Identifiers: Orphanet 1334, MedGen C4225324, MONDO:0014642, OMIM 616445.

Allele frequency attached by ClinVar (database versions not stated): ESP Exome Variant Server 0.00008; gnomAD exomes 0.00008 and 0.00017; TOPMed 0.00010; 1000 Genomes Project 30x 0.00016; 1000 Genomes Project 0.00020; ExAC 0.00026.
gnomAD v4.1: 152 of 1,610,056 alleles (0.0094%); highest among the groups gnomAD compares: East Asian, 0.02%; no homozygotes.

Submission:

Labcorp Genetics (formerly Invitae), Labcorp
Classification: Uncertain significance for Candidiasis, familial, 9. Last evaluated: 2025-12-26. Review status: criteria provided, single submitter. Criteria: Invitae Variant Classification Sherloc (09022015). Collection method: clinical testing. Allele origin: germline.
Comment: This sequence change replaces proline, which is neutral and non-polar, with leucine, which is neutral and non-polar, at codon 415 of the IL17RC protein (p.Pro415Leu). This variant is present in population databases (rs151311782, gnomAD 0.03%). This variant has not been reported in the literature in individuals affected with IL17RC-related conditions. ClinVar contains an entry for this variant (Variation ID: 836082). An algorithm developed to predict the effect of missense changes on protein structure and function outputs the following: PolyPhen-2: "Benign". The leucine amino acid residue is found in multiple mammalian species, which suggests that this missense change does not adversely affect protein function. In summary, the available evidence is currently insufficient to determine the role of this variant in disease. Therefore, it has been classified as a Variant of Uncertain Significance.